The following is an entry in ClinVar:

ClinVar aggregate classification (germline): Uncertain significance (1 of 4 stars; one submission).

Conditions:
Inborn genetic diseases. Identifiers: MedGen C0950123, MeSH D030342.

Submission:

Ambry Genetics
Classification: Uncertain significance for Inborn genetic diseases. Last evaluated: 2023-09-21. Review status: criteria provided, single submitter. Criteria: Ambry Variant Classification Scheme 2023. Collection method: clinical testing. Allele origin: germline.
Comment: The p.D558N variant (also known as c.1672G>A), located in coding exon 7 of the ATR gene, results from a G to A substitution at nucleotide position 1672. The aspartic acid at codon 558 is replaced by asparagine, an amino acid with highly similar properties. This amino acid position is conserved. In addition, this alteration is predicted to be tolerated by in silico analysis. Since supporting evidence is limited at this time, the clinical significance of this alteration remains unclear.

NM_001184.4(ATR):c.1672G>A (p.Asp558Asn)

Gene: ATR (ATR checkpoint kinase; minus strand). Cytogenetic location: 3q23.
Variant type: single nucleotide variant.
Coding change: c.1672G>A on transcript NM_001184.4 (MANE Select); coding-DNA position 1672, G replaced by A.
Protein change: p.Asp558Asn; replaces aspartic acid 558 with asparagine.
Molecular consequence: missense variant.
Genome position (GRCh38, 1-based): chr3:142,559,311, C>T on the plus strand (G>A on the coding strand, the complement: ATR is on the minus strand). VCF-style: chr3-142559311-C-T. GRCh37 (hg19) VCF-style: chr3-142278153-C-T.
Other names: c.1480G>A, p.Asp494Asn (NM_001354579.2); short protein forms D494N, D558N.
Identifiers: ClinVar variation 3221059 (VCV003221059.1), dbSNP rs2108479728, ClinGen allele CA354822009.